The following is an entry in ClinVar:

ClinVar aggregate classification (germline): Uncertain significance. Review status: criteria provided, multiple submitters, no conflicts (2 of 4 stars). 2 submissions from 2 submitters: Uncertain significance (2). Last evaluated 2025-08-13.

Conditions:
Gastrointestinal stromal tumor. Also called: Gastrointestinal stroma tumor; Gastrointestinal stromal tumor, somatic. Identifiers: Orphanet 44890, MedGen C0238198, MeSH D046152, MONDO:0011719, OMIM 606764, HP:0100723.
Hereditary cancer-predisposing syndrome. Also called: Tumor predisposition; Hereditary neoplastic syndrome; Neoplastic Syndromes, Hereditary; Hereditary Cancer Syndrome. Identifiers: Orphanet 140162, MedGen C0027672, MeSH D009386, MONDO:0015356.

Allele frequency attached by ClinVar (database versions not stated): gnomAD exomes below 0.00001; TOPMed 0.00001.
gnomAD v4.1: 1 of 1,614,168 alleles (0.000062%); highest among the groups gnomAD compares: Non-Finnish European, 0.000085%; no homozygotes.

Submissions (2):

Labcorp Genetics (formerly Invitae), Labcorp
Classification: Uncertain significance for Gastrointestinal stromal tumor. Last evaluated: 2025-08-13. Review status: criteria provided, single submitter. Criteria: Invitae Variant Classification Sherloc (09022015). Collection method: clinical testing. Allele origin: germline.
Comment: This sequence change replaces valine, which is neutral and non-polar, with isoleucine, which is neutral and non-polar, at codon 305 of the PDGFRA protein (p.Val305Ile). This variant is present in population databases (no rsID available, gnomAD 0.0009%). This variant has not been reported in the literature in individuals affected with PDGFRA-related conditions. ClinVar contains an entry for this variant (Variation ID: 459128). An algorithm developed to predict the effect of missense changes on protein structure and function (PolyPhen-2) suggests that this variant is likely to be tolerated. In summary, the available evidence is currently insufficient to determine the role of this variant in disease. Therefore, it has been classified as a Variant of Uncertain Significance.

Ambry Genetics
Classification: Uncertain significance for Hereditary cancer-predisposing syndrome. Last evaluated: 2025-05-15. Review status: criteria provided, single submitter. Criteria: Ambry Variant Classification Scheme 2023. Collection method: clinical testing. Allele origin: germline.
Comment: The p.V305I variant (also known as c.913G>A), located in coding exon 5 of the PDGFRA gene, results from a G to A substitution at nucleotide position 913. The valine at codon 305 is replaced by isoleucine, an amino acid with highly similar properties. This amino acid position is well conserved in available vertebrate species. In addition, this alteration is predicted to be tolerated by in silico analysis. Since supporting evidence is limited at this time, the clinical significance of this alteration remains unclear.

NM_006206.6(PDGFRA):c.913G>A (p.Val305Ile)

Gene: PDGFRA (platelet derived growth factor receptor alpha; plus strand). Cytogenetic location: 4q12.
Variant type: single nucleotide variant.
Coding change: c.913G>A on transcript NM_006206.6 (MANE Select); coding-DNA position 913, G replaced by A.
Protein change: p.Val305Ile; replaces valine 305 with isoleucine.
Molecular consequence: missense variant.
Genome position (GRCh38, 1-based): chr4:54,267,442, G>A. VCF-style: chr4-54267442-G-A. GRCh37 (hg19) VCF-style: chr4-55133609-G-A.
Other names: c.913G>A, p.Val305Ile (NM_001347827.2, NM_001347829.2); c.988G>A, p.Val330Ile (NM_001347828.2); c.952G>A, p.Val318Ile (NM_001347830.2); short protein forms V305I, V318I, V330I.
Identifiers: ClinVar variation 459128 (VCV000459128.15), dbSNP rs1396396699, ClinGen allele CA356891377.